The following is an entry in ClinVar:

ClinVar aggregate classification (germline): Likely pathogenic (1 of 4 stars; one submission).

Conditions:
Hereditary cancer-predisposing syndrome. Also called: Neoplastic Syndromes, Hereditary; Tumor predisposition; Hereditary Cancer Syndrome; Hereditary neoplastic syndrome. Identifiers: Orphanet 140162, MedGen C0027672, MeSH D009386, MONDO:0015356.

Submission:

Hereditary Cancer Laboratory, Hospital Universitario 12 de Octubre
Classification: Likely pathogenic for Hereditary cancer-predisposing syndrome. Last evaluated: 2024-05-09. Review status: criteria provided, single submitter. Criteria: ACMG Guidelines, 2015. Collection method: clinical testing. Allele origin: germline.
Comment: PVS1 + PM2

NM_000051.4(ATM):c.7880_7883del (p.Tyr2627fs)

Genes: ATM (ATM serine/threonine kinase; plus strand), C11orf65 (chromosome 11 open reading frame 65; minus strand). Cytogenetic location: 11q22.3.
Variant type: Deletion.
Coding change: c.7880_7883del on transcript NM_000051.4 (MANE Select); coding-DNA positions 7880 to 7883, 4 bases deleted (ATAT; older notation c.7880_7883delATAT).
Protein change: p.Tyr2627fs; shifts the reading frame from tyrosine 2627.
Molecular consequence: frameshift variant. On other transcripts: intron variant (2).
Genome position (GRCh38, 1-based): chr11:108,332,853-108,332,856, ATAT deleted; deleting any 4 consecutive bases within chr11:108,332,852-108,332,856 gives the same sequence; the c. name uses the placement nearest the transcript's 3' end. VCF-style (leftmost placement, unchanged base first): chr11-108332851-TTATA-T. GRCh37 (hg19) VCF-style: chr11-108203578-TTATA-T.
Other names: c.7880_7883del, p.Tyr2627fs (NM_001351834.2); c.641-23784_641-23781del (NM_001330368.2); c.*38+2365_*38+2368del (NM_001351110.2); short protein forms Y2627fs.
Identifiers: ClinVar variation 3906168 (VCV003906168.1).